The following is an entry in ClinVar:

NM_000548.5(TSC2):c.4858C>T (p.His1620Tyr)

Gene: TSC2 (TSC complex subunit 2; plus strand). Cytogenetic location: 16p13.3.
Variant type: single nucleotide variant.
Coding change: c.4858C>T on transcript NM_000548.5 (MANE Select); coding-DNA position 4858, C replaced by T.
Protein change: p.His1620Tyr; replaces histidine 1620 with tyrosine.
Molecular consequence: missense variant.
Genome position (GRCh38, 1-based): chr16:2,086,740, C>T. VCF-style: chr16-2086740-C-T. GRCh37 (hg19) VCF-style: chr16-2136741-C-T.
Other names: c.4657C>T, p.His1553Tyr (NM_001077183.3); c.4789C>T, p.His1597Tyr (NM_001114382.3); c.4549C>T, p.His1517Tyr (NM_001318827.2); c.4513C>T, p.His1505Tyr (NM_001318829.2); c.4126C>T, p.His1376Tyr (NM_001318831.2); c.4690C>T, p.His1564Tyr (NM_001318832.2); c.4660C>T, p.His1554Tyr (NM_001363528.2); c.4726C>T, p.His1576Tyr (NM_001370404.1); and 2 more; short protein forms H1620Y, H1376Y, H1517Y, H1553Y, H1564Y, H1576Y, H1505Y, H1554Y.
Identifiers: ClinVar variation 49327 (VCV000049327.10), dbSNP rs45446901, ClinGen allele CA021147.
Genomic context (GRCh38, chr16:2,086,740, plus strand): 5'-AGAGGGCCTCAGCACTGGCCCCACAAACCCATCCGGCCCTGCTCACCCTCAGCCGTCTTC[C>T]ACATCGCCACCCTGATGCCCACCAAGGACGTGGACAAGCACCGCTGCGACAAGAAGCGCC-3'
Protein context (NP_000539.2, residues 1610-1630): WHDDIMQAVF[His1620Tyr]IATLMPTKDV

ClinVar aggregate classification (germline): Pathogenic. Review status: criteria provided, multiple submitters, no conflicts (2 of 4 stars). 4 submissions from 4 submitters: Pathogenic (2). 2 of the submissions do not count toward it. Last evaluated 2025-09-14.

Conditions:
TSC2-related disorder. Also called: TSC2-related condition; TSC2-Related Disorders.
Hereditary cancer-predisposing syndrome. Also called: Neoplastic Syndromes, Hereditary; Tumor predisposition; Hereditary Cancer Syndrome; Hereditary neoplastic syndrome. Identifiers: Orphanet 140162, MedGen C0027672, MeSH D009386, MONDO:0015356.
Tuberous sclerosis syndrome (TSC). Also called: Tuberous Sclerosis Complex; Tuberous sclerosis. Identifiers: Orphanet 805, MedGen C0041341, MONDO:0001734.
Tuberous sclerosis 2 (TSC2). Identifiers: Orphanet 805, MedGen C1860707, MONDO:0013199, OMIM 613254.

Submissions (4):

Labcorp Genetics (formerly Invitae), Labcorp
Classification: Pathogenic for Tuberous sclerosis 2. Last evaluated: 2025-09-14. Review status: criteria provided, single submitter. Criteria: Invitae Variant Classification Sherloc (09022015). Collection method: clinical testing. Allele origin: germline.
Comment: This sequence change replaces histidine, which is basic and polar, with tyrosine, which is neutral and polar, at codon 1620 of the TSC2 protein (p.His1620Tyr). This variant is not present in population databases (gnomAD no frequency). This missense change has been observed in individual(s) with tuberous sclerosis complex (PMID: 10533067, 16114042). In at least one individual the variant was observed to be de novo. ClinVar contains an entry for this variant (Variation ID: 49327). Invitae Evidence Modeling of protein sequence and biophysical properties (such as structural, functional, and spatial information, amino acid conservation, physicochemical variation, residue mobility, and thermodynamic stability) indicates that this missense variant is expected to disrupt TSC2 protein function with a positive predictive value of 80%. This variant disrupts the p.His1620 amino acid residue in TSC2. Other variant(s) that disrupt this residue have been determined to be pathogenic (PMID: 22903760). This suggests that this residue is clinically significant, and that variants that disrupt this residue are likely to be disease-causing. For these reasons, this variant has been classified as Pathogenic.

Ambry Genetics
Classification: Pathogenic for Hereditary cancer-predisposing syndrome. Last evaluated: 2025-08-28. Review status: criteria provided, single submitter. Criteria: Ambry Variant Classification Scheme 2023. Collection method: clinical testing. Allele origin: germline.
Comment: The c.4858C>T (p.H1620Y) alteration is located in exon 38 (coding exon 37) of the TSC2 gene. This alteration results from a C to T substitution at nucleotide position 4858, causing the histidine (H) at amino acid position 1620 to be replaced by a tyrosine (Y). This variant was not reported in population-based cohorts in the Genome Aggregation Database (gnomAD). This variant was reported in individuals with features consistent with tuberous sclerosis complex; in at least one individual, it was determined to be de novo (Niida, 1999; Rendtorff, 2005; Ambry internal data). This amino acid position is highly conserved in available vertebrate species. This alteration is predicted to be deleterious by in silico analysis. Based on the available evidence, this alteration is classified as pathogenic.

PreventionGenetics, part of Exact Sciences
Classification: Likely pathogenic for TSC2-related condition. Last evaluated: 2024-07-24. Review status: no assertion criteria provided. Collection method: clinical testing. Allele origin: germline. Not counted in ClinVar's aggregate classification.
Comment: The TSC2 c.4858C>T variant is predicted to result in the amino acid substitution p.His1620Tyr. This variant has been reported in two individuals with tuberous sclerosis and occurred de novo in one of the individuals (Table 2. Niida et al. 1999. PubMed ID: 10533067; Table 1. Rendtorff et al. 2005. PubMed ID: 16114042). This variant has also been reported to occur de novo in a prenatal specimen within a study investigating noninvasive prenatal diagnosis of tuberous sclerosis. Different amino acid changes at the same codon, c.4859A>G (p.His1620Arg) and c.4859A>T (p.His1620Leu), have been reported as likely pathogenic in ClinVar (ClinVar IDs: 424510, 65243). This variant has not been reported in a large population database, indicating this variant is rare. This variant is interpreted as pathogenic in ClinVar. This variant is interpreted as likely pathogenic.

Tuberous sclerosis database (TSC2)
No classification provided. Condition: TSC. Review status: no classification provided. Criteria: Tuberous Sclerosis Database Assertion Criteria 2015. Collection method: curation. Allele origin: germline. Affected: yes. Not counted in ClinVar's aggregate classification.

Literature cited by the submitters: PubMed 10533067 (cited by Labcorp Genetics (formerly Invitae), Labcorp and Ambry Genetics); PubMed 16114042 (cited by Labcorp Genetics (formerly Invitae), Labcorp and Ambry Genetics); PubMed 22903760 (cited by Labcorp Genetics (formerly Invitae), Labcorp).